The following is an entry in ClinVar:

ClinVar aggregate classification (germline): Likely benign (0 of 4 stars; one submission).

Conditions:
EPS8L2-related disorder. Also called: EPS8L2-related condition.

Allele frequency attached by ClinVar (database versions not stated): ExAC 0.00005.
gnomAD v4.1: 4 of 1,081,412 alleles (0.00037%); highest among the groups gnomAD compares: South Asian, 0.0027%; no homozygotes.

Submission:

PreventionGenetics, part of Exact Sciences
Classification: Likely benign for EPS8L2-related condition. Last evaluated: 2020-06-10. Review status: no assertion criteria provided. Collection method: clinical testing. Allele origin: germline.
Comment: This variant is classified as likely benign based on ACMG/AMP sequence variant interpretation guidelines (Richards et al. 2015 PMID: 25741868, with internal and published modifications).

NM_022772.4(EPS8L2):c.477+7C>T

Genes: EPS8L2 (EPS8 signaling adaptor L2; plus strand), LOC130005076 (ATAC-STARR-seq lymphoblastoid silent region 3016; plus strand). Cytogenetic location: 11p15.5.
Variant type: single nucleotide variant.
Coding change: c.477+7C>T on transcript NM_022772.4 (MANE Select); 7 bases into the intron after coding-DNA position 477, C replaced by T.
Molecular consequence: intron variant.
Genome position (GRCh38, 1-based): chr11:720,753, C>T. VCF-style: chr11-720753-C-T. GRCh37 (hg19) VCF-style: chr11-720753-C-T.
Identifiers: ClinVar variation 3057899 (VCV003057899.2), dbSNP rs758406101, ClinGen allele CA5787162.
Genomic context (GRCh38, chr11:720,753, plus strand): 5'-GACTCGGAGCAGAGCAAGCCGGATGTCCACTTCTTCCACTGCGATGAGGTGGAGGTGAGG[C>T]GGTGCCGGGCGGGGCAGGGTGGGGCCCCGCCGCGCCGCGCCCCGCCCTCCTGGCCGCCTG-3'